The following is an entry in ClinVar:

ClinVar aggregate classification (germline): Likely benign (1 of 4 stars; one submission).

Submission:

GeneDx
Classification: Likely benign. Last evaluated: 2017-07-05. Review status: criteria provided, single submitter. Criteria: GeneDx Variant Classification (06012015). Collection method: clinical testing. Allele origin: germline. Affected: yes.
Comment: This variant is considered likely benign or benign based on one or more of the following criteria: it is a conservative change, it occurs at a poorly conserved position in the protein, it is predicted to be benign by multiple in silico algorithms, and/or has population frequency not consistent with disease.

NM_001005361.3(DNM2):c.688+15del

Gene: DNM2 (dynamin 2; plus strand). Cytogenetic location: 19p13.2.
Variant type: Deletion.
Coding change: c.688+15del on transcript NM_001005361.3 (MANE Select); 15 bases into the intron after coding-DNA position 688, one base deleted (G; older notation c.688+15delG).
Molecular consequence: intron variant.
Genome position (GRCh38, 1-based): chr19:10,777,231, G deleted; the last of 5 consecutive G bases (chr19:10,777,227-10,777,231); deleting any one gives the same sequence. VCF-style (leftmost placement, unchanged base first): chr19-10777226-TG-T. GRCh37 (hg19) VCF-style: chr19-10887902-TG-T.
Other names: c.688+15del (NM_001005360.3, NM_001190716.2, NM_004945.4 and 1 more transcripts); c.688+15delG (NM_001005360.2).
Identifiers: ClinVar variation 510609 (VCV000510609.1), dbSNP rs1555706470, ClinGen allele CA658799142.
Genomic context (GRCh38, chr19:10,777,226, plus strand): 5'-GCACCGACGCCAGGGACGTCTTGGAGAACAAGTTGCTCCCGTTGAGAAGAGGTGTGGCTT[TG>T]GGGGTGCTGGGGAAGCAGGAGGATGGGTGGGGTCCTTATCATTACTGAAACCCCAGCACC-3'